The following is an entry in ClinVar:

NM_001114753.3(ENG):c.1024C>A (p.Gln342Lys)

Gene: ENG (endoglin; minus strand). Cytogenetic location: 9q34.11.
Variant type: single nucleotide variant.
Coding change: c.1024C>A on transcript NM_001114753.3 (MANE Select); coding-DNA position 1024, C replaced by A.
Protein change: p.Gln342Lys; replaces glutamine 342 with lysine.
Molecular consequence: missense variant.
Genome position (GRCh38, 1-based): chr9:127,824,414, G>T on the plus strand (C>A on the coding strand, the complement: ENG is on the minus strand). VCF-style: chr9-127824414-G-T. GRCh37 (hg19) VCF-style: chr9-130586693-G-T.
Other names: c.1024C>A (NM_001114753.1); c.1024C>A, p.Gln342Lys (NM_000118.4, NM_001406715.1); c.478C>A, p.Gln160Lys (NM_001278138.2); short protein forms Q160K, Q342K.
Identifiers: ClinVar variation 3670168 (VCV003670168.3).

ClinVar aggregate classification (germline): Uncertain significance. Review status: criteria provided, multiple submitters, no conflicts (2 of 4 stars). 2 submissions from 2 submitters: Uncertain significance (2). Last evaluated 2026-04-28.

Conditions:
Cardiovascular phenotype. Identifiers: MedGen CN230736.
Hereditary hemorrhagic telangiectasia (HHT). Also called: ORW DISEASE; Osler Weber Rendu syndrome; OSLER-RENDU-WEBER DISEASE; Osler hemorrhagic telangiectasia syndrome. Identifiers: Orphanet 774, MedGen C0039445, MONDO:0019180. Disease mechanism: loss of function.

gnomAD v4.1: 1 of 1,614,080 alleles (0.000062%); highest among the groups gnomAD compares: Non-Finnish European, 0.000085%; no homozygotes.

Submissions (2):

Ambry Genetics
Classification: Uncertain significance for Cardiovascular phenotype. Last evaluated: 2026-04-28. Review status: criteria provided, single submitter. Criteria: Ambry Variant Classification Scheme 2023. Collection method: clinical testing. Allele origin: germline.
Comment: The p.Q342K variant (also known as c.1024C>A), located in coding exon 8 of the ENG gene, results from a C to A substitution at nucleotide position 1024. The glutamine at codon 342 is replaced by lysine, an amino acid with similar properties. This amino acid position is conserved. In addition, this alteration is predicted to be tolerated by in silico analysis. Based on the available evidence, the clinical significance of this variant remains unclear.

Labcorp Genetics (formerly Invitae), Labcorp
Classification: Uncertain significance for Hereditary hemorrhagic telangiectasia. Last evaluated: 2024-03-23. Review status: criteria provided, single submitter. Criteria: Invitae Variant Classification Sherloc (09022015). Collection method: clinical testing. Allele origin: germline.
Comment: This sequence change replaces glutamine, which is neutral and polar, with lysine, which is basic and polar, at codon 342 of the ENG protein (p.Gln342Lys). This variant is not present in population databases (gnomAD no frequency). This variant has not been reported in the literature in individuals affected with ENG-related conditions. Advanced modeling of protein sequence and biophysical properties (such as structural, functional, and spatial information, amino acid conservation, physicochemical variation, residue mobility, and thermodynamic stability) has been performed at Invitae for this missense variant, however the output from this modeling did not meet the statistical confidence thresholds required to predict the impact of this variant on ENG protein function. In summary, the available evidence is currently insufficient to determine the role of this variant in disease. Therefore, it has been classified as a Variant of Uncertain Significance.